The following is an entry in ClinVar:

NM_201384.3(PLEC):c.10727_10738del (p.Gly3576_His3580delinsAsp)

Gene: PLEC (plectin; minus strand). Cytogenetic location: 8q24.3.
Variant type: Deletion.
Coding change: c.10727_10738del on transcript NM_201384.3 (MANE Select); coding-DNA positions 10727 to 10738, 12 bases deleted (GCGGCGGCAGCC).
Protein change: p.Gly3576_His3580delinsAsp.
Molecular consequence: inframe indel.
Genome position (GRCh38, 1-based): chr8:143,919,083-143,919,094, GGCTGCCGCCGC deleted on the plus strand (GCGGCGGCAGCC on the coding strand, the reverse complement: PLEC is on the minus strand). VCF-style (leftmost placement, unchanged base first): chr8-143919082-TGGCTGCCGCCGC-T. GRCh37 (hg19) VCF-style: chr8-144993250-TGGCTGCCGCCGC-T.
Other names: c.10808_10819del, p.Gly3603_His3607delinsAsp (NM_000445.5); c.7427_7438del, p.Gly2476_His2480delinsAsp (NM_001410941.1); c.10685_10696del, p.Gly3562_His3566delinsAsp (NM_201378.4); c.10661_10672del, p.Gly3554_His3558delinsAsp (NM_201379.3); c.11138_11149del, p.Gly3713_His3717delinsAsp (NM_201380.4); c.10631_10642del, p.Gly3544_His3548delinsAsp (NM_201381.3); c.10727_10738del, p.Gly3576_His3580delinsAsp (NM_201382.4); c.10739_10750del, p.Gly3580_His3584delinsAsp (NM_201383.3).
Identifiers: ClinVar variation 4792852 (VCV004792852.1).

ClinVar aggregate classification (germline): Uncertain significance (1 of 4 stars; one submission).

Conditions:
Epidermolysis bullosa simplex 5B, with muscular dystrophy (EBS5B). Also called: EPIDERMOLYSIS BULLOSA SIMPLEX AND LIMB-GIRDLE MUSCULAR DYSTROPHY; Epidermolysis bullosa simplex with muscular dystrophy. Identifiers: Orphanet 257, MedGen C2931072, MONDO:0009181, OMIM 226670.
Epidermolysis bullosa simplex, Ogna type (EBS5A). Also called: Pidermolysis bullosa simplex 5A, Ogna type; EPIDERMOLYSIS BULLOSA SIMPLEX 5A, OGNA TYPE. Identifiers: Orphanet 79401, MedGen C0432317, MONDO:0007555, OMIM 131950.
Epidermolysis bullosa simplex 5C, with pyloric atresia (EBS5C). Also called: Epidermolysis bullosa simplex with pyloric atresia; PLEC-Related Epidermolysis Bullosa with Pyloric Atresia; PLEC1-Related Epidermolysis Bullosa with Pyloric Atresia. Identifiers: Orphanet 158684, MedGen C2677349, MONDO:0012807, OMIM 612138.
Autosomal recessive limb-girdle muscular dystrophy type 2Q (LGMDR17). Also called: MUSCULAR DYSTROPHY, LIMB-GIRDLE, AUTOSOMAL RECESSIVE 17. Identifiers: Orphanet 254361, MedGen C3150989, MONDO:0013390, OMIM 613723.
Epidermolysis bullosa simplex with nail dystrophy (EBS5D). Identifiers: MedGen C4225309, MONDO:0014661, OMIM 616487.

Submission:

Labcorp Genetics (formerly Invitae), Labcorp
Classification: Uncertain significance for Autosomal recessive limb-girdle muscular dystrophy type 2Q; Epidermolysis bullosa simplex, Ogna type; Epidermolysis bullosa simplex with nail dystrophy; Epidermolysis bullosa simplex 5C, with pyloric atresia; Epidermolysis bullosa simplex 5B, with muscular dystrophy. Last evaluated: 2025-06-27. Review status: criteria provided, single submitter. Criteria: Invitae Variant Classification Sherloc (09022015). Collection method: clinical testing. Allele origin: germline.
Comment: This variant, c.10808_10819del, is a complex sequence change that results in the deletion of 5 and insertion of 1 amino acid(s) in the PLEC protein (p.Gly3603_His3607delinsAsp). This variant is present in population databases (rs781835064, gnomAD 0.002%). This variant has not been reported in the literature in individuals affected with PLEC-related conditions. Experimental studies and prediction algorithms are not available or were not evaluated, and the functional significance of this variant is currently unknown. In summary, the available evidence is currently insufficient to determine the role of this variant in disease. Therefore, it has been classified as a Variant of Uncertain Significance.